The following is an entry in ClinVar:

ClinVar aggregate classification (germline): Uncertain significance (1 of 4 stars; one submission).

Submission:

Labcorp Genetics (formerly Invitae), Labcorp
Classification: Uncertain significance. Last evaluated: 2022-03-09. Review status: criteria provided, single submitter. Criteria: Invitae Variant Classification Sherloc (09022015). Collection method: clinical testing. Allele origin: germline.
Comment: In summary, the available evidence is currently insufficient to determine the role of this variant in disease. Therefore, it has been classified as a Variant of Uncertain Significance. Experimental studies and prediction algorithms are not available or were not evaluated, and the functional significance of this variant is currently unknown. This variant has not been reported in the literature in individuals affected with MYH14-related conditions. This variant is present in population databases (no rsID available, gnomAD 0.01%). This variant, c.3256_3273dup, results in the insertion of 6 amino acid(s) of the MYH14 protein (p.Glu1086_Gln1091dup), but otherwise preserves the integrity of the reading frame.

NM_001145809.2(MYH14):c.3379_3396dup (p.Glu1127_Gln1132dup)

Gene: MYH14 (myosin heavy chain 14; plus strand). Cytogenetic location: 19q13.33.
Variant type: Duplication.
Coding change: c.3379_3396dup on transcript NM_001145809.2 (MANE Select); coding-DNA positions 3379 to 3396, 18 bases duplicated (GAGCAGATGGTGGAGCAG).
Protein change: p.Glu1127_Gln1132dup.
Molecular consequence: inframe insertion.
Genome position (GRCh38, 1-based): chr19:50,272,643-50,272,660, GAGCAGATGGTGGAGCAG duplicated; duplicating any 18 consecutive bases within chr19:50,272,639-50,272,660 gives the same sequence; the c. name uses the placement nearest the transcript's 3' end. VCF-style (leftmost placement, unchanged base first): chr19-50272638-T-TGCAGGAGCAGATGGTGGA. GRCh37 (hg19) VCF-style: chr19-50775895-T-TGCAGGAGCAGATGGTGGA.
Other names: c.3280_3297dup, p.Glu1094_Gln1099dup (NM_001077186.2); c.3256_3273dup, p.Glu1086_Gln1091dup (NM_024729.4).
Identifiers: ClinVar variation 1486886 (VCV001486886.6), dbSNP rs1197448518, ClinGen allele CA633896762.